The following is an entry in ClinVar:

NM_000051.4(ATM):c.6257A>T (p.Tyr2086Phe)

Genes: C11orf65 (chromosome 11 open reading frame 65; minus strand), ATM (ATM serine/threonine kinase; plus strand). Cytogenetic location: 11q22.3.
Variant type: single nucleotide variant.
Coding change: c.6257A>T on transcript NM_000051.4 (MANE Select); coding-DNA position 6257, A replaced by T.
Protein change: p.Tyr2086Phe; replaces tyrosine 2086 with phenylalanine.
Molecular consequence: missense variant. On other transcripts: intron variant (2).
Genome position (GRCh38, 1-based): chr11:108,317,431, A>T. VCF-style: chr11-108317431-A-T. GRCh37 (hg19) VCF-style: chr11-108188158-A-T.
Other names: p.Y2086F:TAT>TTT; c.6257A>T, p.Tyr2086Phe (NM_001351834.2); c.641-8360T>A (NM_001330368.2); c.*39-8360T>A (NM_001351110.2); short protein forms Y2086F.
Identifiers: ClinVar variation 181977 (VCV000181977.30), dbSNP rs730881380, ClinGen allele CA298305.

ClinVar aggregate classification (germline): Conflicting classifications of pathogenicity. Review status: criteria provided, conflicting classifications (1 of 4 stars). 12 submissions from 12 submitters: Uncertain significance (9); Likely benign (1). 2 of the submissions do not count toward it. Last evaluated 2025-11-22.

Conditions:
ATM-related disorder. Also called: ATM-related disorders; ATM-related condition.
Hereditary cancer-predisposing syndrome. Also called: Hereditary Cancer Syndrome; Tumor predisposition; Neoplastic Syndromes, Hereditary; Hereditary neoplastic syndrome. Identifiers: Orphanet 140162, MedGen C0027672, MeSH D009386, MONDO:0015356.
Familial cancer of breast. Also called: hereditary breast carcinoma; BREAST CANCER, FAMILIAL; Hereditary breast cancer. Identifiers: Orphanet 227535, MedGen C0346153, MONDO:0016419, OMIM 114480. Disease mechanism: loss of function.
Ataxia-telangiectasia syndrome (AT). Also called: ATAXIA-TELANGIECTASIA, COMPLEMENTATION GROUP A; ATAXIA-TELANGIECTASIA, FRESNO VARIANT; Ataxia-telangiectasia; Ataxia-telangiectasia, complementation group E; Cerebello-oculocutaneous telangiectasia; Immunodeficiency with ataxia telangiectasia. Identifiers: Orphanet 100, MedGen C0004135, MONDO:0008840, OMIM 208900.

Allele frequency attached by ClinVar (database versions not stated): gnomAD 0.00001; TOPMed 0.00002.
gnomAD v4.1: 20 of 1,612,380 alleles (0.0012%); highest among the groups gnomAD compares: Non-Finnish European, 0.0016%; no homozygotes.

Submissions (12):

Labcorp Genetics (formerly Invitae), Labcorp
Classification: Uncertain significance for Ataxia-telangiectasia syndrome. Last evaluated: 2025-11-22. Review status: criteria provided, single submitter. Criteria: Invitae Variant Classification Sherloc (09022015). Collection method: clinical testing. Allele origin: germline.
Comment: This sequence change replaces tyrosine, which is neutral and polar, with phenylalanine, which is neutral and non-polar, at codon 2086 of the ATM protein (p.Tyr2086Phe). This variant is present in population databases (rs730881380, gnomAD 0.002%). This missense change has been observed in individual(s) with breast cancer and/or prostate cancer (PMID: 29522266, 33436325, 34326862). ClinVar contains an entry for this variant (Variation ID: 181977). Invitae Evidence Modeling of protein sequence and biophysical properties (such as structural, functional, and spatial information, amino acid conservation, physicochemical variation, residue mobility, and thermodynamic stability) indicates that this missense variant is not expected to disrupt ATM protein function with a negative predictive value of 95%. In summary, the available evidence is currently insufficient to determine the role of this variant in disease. Therefore, it has been classified as a Variant of Uncertain Significance.

PreventionGenetics, part of Exact Sciences
Classification: Uncertain significance for ATM-related condition. Last evaluated: 2025-09-15. Review status: criteria provided, single submitter. Criteria: ACMG Guidelines, 2015. Collection method: clinical testing. Allele origin: germline.
Comment: The ATM c.6257A>T variant is predicted to result in the amino acid substitution p.Tyr2086Phe. This variant has been reported in an individual undergoing hereditary breast and/or ovarian cancer genetic testing and interpreted as uncertain significance (Table S1, Hauke et al. 2018. PubMed ID: 29522266). It has also been reported in a control individual from a prostate cancer cohort (Karlsson et al. 2021. PubMed ID: 33436325, Table S4). This variant was reported in one individual that was part of a large cohort of individuals with familial cancer syndromes (Table S4, Bhai et al. 2021. PubMed ID: 34326862). This variant is reported in 3 of ~251,000 alleles and has conflicting interpretations of pathogenicity in ClinVar of uncertain significance and likely benign (Variation ID: 181977). At this time, the clinical significance of this variant is uncertain due to the absence of conclusive functional and genetic evidence.

GeneDx
Classification: Uncertain significance. Last evaluated: 2025-02-21. Review status: criteria provided, single submitter. Criteria: GeneDx Variant Classification Process June 2021. Collection method: clinical testing. Allele origin: germline. Affected: yes.
Comment: Not observed at significant frequency in large population cohorts (gnomAD); In silico analysis indicates that this missense variant does not alter protein structure/function; This variant is associated with the following publications: (PMID: 29522266, 34326862)

Color Diagnostics, LLC DBA Color Health
Classification: Uncertain significance for Hereditary cancer-predisposing syndrome. Last evaluated: 2025-02-10. Review status: criteria provided, single submitter. Criteria: ACMG Guidelines, 2015. Collection method: clinical testing. Allele origin: germline.
Comment: This missense variant replaces tyrosine with phenylalanine at codon 2086 of the ATM protein. Computational prediction suggests that this variant may not impact protein structure and function. To our knowledge, functional studies have not been reported for this variant. This variant has been reported in individuals affected with breast cancer (PMID: 29522266, 33471991) as well as in unaffected controls (PMID: 33436325, 33471991). This variant has been identified in 3/251412 chromosomes in the general population by the Genome Aggregation Database (gnomAD). The available evidence is insufficient to determine the role of this variant in disease conclusively. Therefore, this variant is classified as a Variant of Uncertain Significance.

Molecular Pathology, Peter Maccallum Cancer Centre
Classification: Uncertain significance for Ataxia-telangiectasia syndrome. Last evaluated: 2024-05-15. Review status: criteria provided, single submitter. Criteria: ACMG Guidelines, 2015. Collection method: clinical testing. Allele origin: germline. Inheritance: Autosomal recessive inheritance.

Ambry Genetics
Classification: Likely benign for Hereditary cancer-predisposing syndrome. Last evaluated: 2024-03-21. Review status: criteria provided, single submitter. Criteria: Ambry Variant Classification Scheme 2023. Collection method: clinical testing. Allele origin: germline.

Baylor Genetics
Classification: Uncertain significance for Familial cancer of breast. Last evaluated: 2023-11-15. Review status: criteria provided, single submitter. Criteria: ACMG Guidelines, 2015. Collection method: clinical testing. Allele origin: unknown.

Women's Health and Genetics/Laboratory Corporation of America, LabCorp
Classification: Uncertain significance. Last evaluated: 2023-11-10. Review status: criteria provided, single submitter. Criteria: LabCorp Variant Classification Summary - May 2015. Collection method: clinical testing. Allele origin: germline.
Comment: Variant summary: ATM c.6257A>T (p.Tyr2086Phe) results in a conservative amino acid change located in the PIK-related kinase domain (IPR014009) of the encoded protein sequence. Four of five in-silico tools predict a benign effect of the variant on protein function. The variant allele was found at a frequency of 1.6e-05 in 365040 control chromosomes (gnomAD, Dorling_2021, Karlsson_2021). The available data on variant occurrences in the general population are insufficient to allow any conclusion about variant significance. c.6257A>T has been reported in the literature in individuals with a personal or family history of cancer (e.g., Hauke_2018, Dorling_2021, Bhai_2021, deOliveira-Garcia_2022), but it was also reported in unaffected controls (e.g., Dorling_2021, Karlsson_2021). These reports do not provide unequivocal conclusions about association of the variant with Breast Cancer. To our knowledge, no experimental evidence demonstrating an impact on protein function has been reported. The following publications have been ascertained in the context of this evaluation (PMID: 33471991, 29522266, 33436325, 34326862, 35181726). Seven submitters have cited clinical-significance assessments for this variant to ClinVar after 2014. All submitters classified the variant as uncertain significance. Based on the evidence outlined above, the variant was classified as uncertain significance.

Quest Diagnostics Nichols Institute San Juan Capistrano
Classification: Uncertain significance. Last evaluated: 2023-10-06. Review status: criteria provided, single submitter. Criteria: Quest Diagnostics criteria. Collection method: clinical testing. Allele origin: unknown.

MGZ Medical Genetics Center
Classification: Uncertain significance for Familial cancer of breast. Last evaluated: 2022-08-22. Review status: criteria provided, single submitter. Criteria: ACMG Guidelines, 2015. Collection method: clinical testing. Allele origin: germline. Affected: yes. Observed: 1 variant allele.
Comment: ACMG criteria applied: PM2_SUP, BP4

Zotz-Klimas Genetics Lab, MVZ Zotz Klimas
Classification: Uncertain significance for Familial cancer of breast. Last evaluated: 2023-10-30. Review status: no assertion criteria provided. Collection method: clinical testing. Allele origin: germline. Affected: yes. Not counted in ClinVar's aggregate classification.

Natera, Inc.
Classification: Uncertain significance for Ataxia-telangiectasia. Last evaluated: 2020-09-16. Review status: no assertion criteria provided. Collection method: clinical testing. Allele origin: germline. Not counted in ClinVar's aggregate classification.

Literature cited by the submitters: PubMed 29522266 (cited by 5 submitters); PubMed 33436325 (cited by 4 submitters); PubMed 34326862 (cited by Labcorp Genetics (formerly Invitae), Labcorp and Women's Health and Genetics/Laboratory Corporation of America, LabCorp); PubMed 33471991 (cited by 3 submitters); PubMed 35181726 (cited by Women's Health and Genetics/Laboratory Corporation of America, LabCorp).